The following is an entry in ClinVar:

NM_024664.4(PPCS):c.180del (p.Phe60fs)

Genes: CCDC30 (coiled-coil domain containing 30; plus strand), PPCS (phosphopantothenoylcysteine synthetase; plus strand). Cytogenetic location: 1p34.2.
Variant type: Deletion.
Coding change: c.180del on transcript NM_024664.4 (MANE Select); coding-DNA position 180, one base deleted (C; older notation c.180delC).
Protein change: p.Phe60fs; shifts the reading frame from phenylalanine 60.
Molecular consequence: frameshift variant. On other transcripts: 5 prime UTR variant (1), intron variant (6).
Genome position (GRCh38, 1-based): chr1:42,456,745, C deleted. VCF-style (leftmost placement, unchanged base first): chr1-42456744-TC-T. GRCh37 (hg19) VCF-style: chr1-42922415-TC-T.
Other names: c.-513del (NM_001287510.2); c.180del, p.Phe60fs (NM_001287511.2); c.-984+246del (NM_001355226.2); c.-328+246del (NM_001287507.1); c.-12+246del (NM_001287506.1); c.-12+21del (NM_001287508.2); c.-12+117del (NM_001077447.3); c.-12+162del (NM_001287509.2); short protein forms F60fs.
Identifiers: ClinVar variation 1981832 (VCV001981832.3), dbSNP rs2522600524, ClinGen allele CA2580062765.

ClinVar aggregate classification (germline): Uncertain significance (1 of 4 stars; one submission).

Submission:

Labcorp Genetics (formerly Invitae), Labcorp
Classification: Uncertain significance. Last evaluated: 2022-08-03. Review status: criteria provided, single submitter. Criteria: Invitae Variant Classification Sherloc (09022015). Collection method: clinical testing. Allele origin: germline.
Comment: In summary, the available evidence is currently insufficient to determine the role of this variant in disease. Therefore, it has been classified as a Variant of Uncertain Significance. This variant has not been reported in the literature in individuals affected with PPCS-related conditions. This variant is not present in population databases (gnomAD no frequency). This sequence change creates a premature translational stop signal (p.Phe60Leufs*15) in the PPCS gene. It is expected to result in an absent or disrupted protein product. However, the current clinical and genetic evidence is not sufficient to establish whether loss-of-function variants in PPCS cause disease.